The following is an entry in ClinVar:

NM_001267550.2(TTN):c.16895T>C (p.Ile5632Thr)

Genes: TTN (titin; minus strand), LOC126806431 (CDK7 strongly-dependent group 2 enhancer GRCh37_chr2:179595719-179596918; plus strand). Cytogenetic location: 2q31.2.
Variant type: single nucleotide variant.
Coding change: c.16895T>C on transcript NM_001267550.2 (MANE Select); coding-DNA position 16895, T replaced by C.
Protein change: p.Ile5632Thr; replaces isoleucine 5632 with threonine.
Molecular consequence: missense variant. On other transcripts: intron variant (3).
Genome position (GRCh38, 1-based): chr2:178,732,074, A>G on the plus strand (T>C on the coding strand, the complement: TTN is on the minus strand). VCF-style: chr2-178732074-A-G. GRCh37 (hg19) VCF-style: chr2-179596801-A-G.
Other names: c.15944T>C, p.Ile5315Thr (NM_001256850.1); c.13282+6008T>C (NM_003319.4); c.13858+6008T>C (NM_133437.4); c.13657+6008T>C (NM_133432.3); c.13163T>C, p.Ile4388Thr (NM_133378.4); short protein forms I4388T, I5632T, I5315T.
Identifiers: ClinVar variation 179589 (VCV000179589.6), dbSNP rs727504971, ClinGen allele CA184728.

ClinVar aggregate classification (germline): Conflicting classifications of pathogenicity. Review status: criteria provided, conflicting classifications (1 of 4 stars). 2 submissions from 2 submitters: Uncertain significance (1); Likely benign (1). Last evaluated 2025-07-24.

Allele frequency attached by ClinVar (database versions not stated): gnomAD 0.00001; TOPMed 0.00002.
gnomAD v4.1: 3 of 1,604,208 alleles (0.00019%); highest among the groups gnomAD compares: African/African-American, 0.0027%; no homozygotes.

Submissions (2):

Molecular Diagnostic Laboratory for Inherited Cardiovascular Disease, Montreal Heart Institute
Classification: Likely benign. Last evaluated: 2025-07-24. Review status: criteria provided, single submitter. Criteria: ACMG Guidelines, 2015. Collection method: clinical testing. Allele origin: germline. Affected: no.
Comment: BP1

Laboratory for Molecular Medicine, Mass General Brigham Personalized Medicine
Classification: Uncertain significance. Last evaluated: 2014-03-24. Review status: criteria provided, single submitter. Criteria: LMM Criteria. Collection method: clinical testing. Allele origin: germline. Observed: 1 variant allele.
Comment: Variant classified as Uncertain Significance - Favor Benign. The Ile4388Thr vari ant in TTN has not been previously reported in indivdiuals with cardiomyopathy o r in large population studies. Isoleucine (Ile) at position 4388 is not conserve d in evolution and multiple bird and fish species carry a threonine (Thr) at thi s position, supporting that this change may be tolerated. Computational predicti on tools also suggest that this variant may not impact the protein, though this information is not predictive enough to rule out pathogenicity. While the presen ce of the variant amino acid in other species supports that the Ile4388Thr varia nt is less likely to be disease-causing, additional studies are needed to fully assess its clinical significance.